The following is an entry in ClinVar:

ClinVar aggregate classification (germline): Uncertain significance (1 of 4 stars; one submission).

Conditions:
Fanconi anemia complementation group J. Also called: BRIP1-Related Fanconi Anemia. Identifiers: Orphanet 84, MedGen C1836860, MONDO:0012187, OMIM 609054.
Familial cancer of breast. Also called: BREAST CANCER, FAMILIAL; Hereditary breast cancer; hereditary breast carcinoma. Identifiers: Orphanet 227535, MedGen C0346153, MONDO:0016419, OMIM 114480. Disease mechanism: loss of function.

Submission:

Labcorp Genetics (formerly Invitae), Labcorp
Classification: Uncertain significance for Familial cancer of breast; Fanconi anemia complementation group J. Last evaluated: 2023-08-02. Review status: criteria provided, single submitter. Criteria: Invitae Variant Classification Sherloc (09022015). Collection method: clinical testing. Allele origin: germline.
Comment: This sequence change replaces threonine, which is neutral and polar, with serine, which is neutral and polar, at codon 663 of the BRIP1 protein (p.Thr663Ser). This variant is not present in population databases (gnomAD no frequency). In summary, the available evidence is currently insufficient to determine the role of this variant in disease. Therefore, it has been classified as a Variant of Uncertain Significance. Algorithms developed to predict the effect of sequence changes on RNA splicing suggest that this variant may create or strengthen a splice site. Advanced modeling of protein sequence and biophysical properties (such as structural, functional, and spatial information, amino acid conservation, physicochemical variation, residue mobility, and thermodynamic stability) performed at Invitae indicates that this missense variant is not expected to disrupt BRIP1 protein function. This variant has not been reported in the literature in individuals affected with BRIP1-related conditions.

NM_032043.3(BRIP1):c.1987A>T (p.Thr663Ser)

Gene: BRIP1 (BRCA1 interacting DNA helicase 1; minus strand). Cytogenetic location: 17q23.2.
Variant type: single nucleotide variant.
Coding change: c.1987A>T on transcript NM_032043.3 (MANE Select); coding-DNA position 1987, A replaced by T.
Protein change: p.Thr663Ser; replaces threonine 663 with serine.
Molecular consequence: missense variant.
Genome position (GRCh38, 1-based): chr17:61,776,511, T>A on the plus strand (A>T on the coding strand, the complement: BRIP1 is on the minus strand). VCF-style: chr17-61776511-T-A. GRCh37 (hg19) VCF-style: chr17-59853872-T-A.
Other names: short protein forms T663S.
Identifiers: ClinVar variation 2950566 (VCV002950566.3), dbSNP rs1567808933, ClinGen allele CA400478457.